The following is an entry in ClinVar:

NM_000038.6(APC):c.4079C>G (p.Ser1360Cys)

Gene: APC (APC regulator of Wnt signaling pathway; plus strand). Cytogenetic location: 5q22.2.
Variant type: single nucleotide variant.
Coding change: c.4079C>G on transcript NM_000038.6 (MANE Select); coding-DNA position 4079, C replaced by G.
Protein change: p.Ser1360Cys; replaces serine 1360 with cysteine.
Molecular consequence: missense variant. On other transcripts: non-coding transcript variant (2).
Genome position (GRCh38, 1-based): chr5:112,839,673, C>G. VCF-style: chr5-112839673-C-G. GRCh37 (hg19) VCF-style: chr5-112175370-C-G.
Other names: c.4079C>G, p.Ser1360Cys (NM_001127510.3, NM_001354895.2, NM_001407450.1); c.4025C>G, p.Ser1342Cys (NM_001127511.3); c.4133C>G, p.Ser1378Cys (NM_001354896.2, NM_001407447.1, NM_001407448.1 and 1 more transcripts); c.4109C>G, p.Ser1370Cys (NM_001354897.2); c.4004C>G, p.Ser1335Cys (NM_001354898.2); c.3995C>G, p.Ser1332Cys (NM_001354899.2); c.3956C>G, p.Ser1319Cys (NM_001354900.2); c.3902C>G, p.Ser1301Cys (NM_001354901.2, NM_001407453.1); and 11 more; short protein forms S1277C, S1332C, S1234C, S1259C, S1269C, S1319C, S1350C, S1360C.
Identifiers: ClinVar variation 2889599 (VCV002889599.3), dbSNP rs2149905865, ClinGen allele CA16030267.
Genomic context (GRCh38, chr5:112,839,673, plus strand): 5'-CTAGTTTATCTTCAGAATCAGCCAGGCACAAAGCTGTTGAATTTTCTTCAGGAGCGAAAT[C>G]TCCCTCCAAAAGTGGTGCTCAGACACCCAAAAGTCCACCTGAACACTATGTTCAGGAGAC-3'
Protein context (NP_000029.2, residues 1350-1370): KAVEFSSGAK[Ser1360Cys]PSKSGAQTPK

ClinVar aggregate classification (germline): Uncertain significance (1 of 4 stars; one submission).

Conditions:
Familial adenomatous polyposis 1 (FAP1). Also called: FAMILIAL ADENOMATOUS POLYPOSIS 1, ATTENUATED; POLYPOSIS, ADENOMATOUS INTESTINAL. Identifiers: MedGen C2713442, MONDO:0021056, OMIM 175100. Disease mechanism: loss of function.

Submission:

Labcorp Genetics (formerly Invitae), Labcorp
Classification: Uncertain significance for Familial adenomatous polyposis 1. Last evaluated: 2023-08-07. Review status: criteria provided, single submitter. Criteria: Invitae Variant Classification Sherloc (09022015). Collection method: clinical testing. Allele origin: germline.
Comment: In summary, the available evidence is currently insufficient to determine the role of this variant in disease. Therefore, it has been classified as a Variant of Uncertain Significance. Advanced modeling of protein sequence and biophysical properties (such as structural, functional, and spatial information, amino acid conservation, physicochemical variation, residue mobility, and thermodynamic stability) performed at Invitae indicates that this missense variant is not expected to disrupt APC protein function. This variant has not been reported in the literature in individuals affected with APC-related conditions. This variant is not present in population databases (gnomAD no frequency). This sequence change replaces serine, which is neutral and polar, with cysteine, which is neutral and slightly polar, at codon 1360 of the APC protein (p.Ser1360Cys).